The following is an entry in ClinVar:

NM_001145809.2(MYH14):c.1756G>A (p.Gly586Ser)

Gene: MYH14 (myosin heavy chain 14; plus strand). Cytogenetic location: 19q13.33.
Variant type: single nucleotide variant.
Coding change: c.1756G>A on transcript NM_001145809.2 (MANE Select); coding-DNA position 1756, G replaced by A.
Protein change: p.Gly586Ser; replaces glycine 586 with serine.
Molecular consequence: missense variant.
Genome position (GRCh38, 1-based): chr19:50,250,614, G>A. VCF-style: chr19-50250614-G-A. GRCh37 (hg19) VCF-style: chr19-50753871-G-A.
Other names: c.1756G>A, p.Gly586Ser (NM_001077186.2); c.1732G>A, p.Gly578Ser (NM_024729.4); short protein forms G578S, G586S.
Identifiers: ClinVar variation 2539050 (VCV002539050.5), dbSNP rs940901423, ClinGen allele CA309596938.

ClinVar aggregate classification (germline): Uncertain significance. Review status: criteria provided, multiple submitters, no conflicts (2 of 4 stars). 2 submissions from 2 submitters: Uncertain significance (2). Last evaluated 2025-04-27.

Conditions:
Inborn genetic diseases. Identifiers: MedGen C0950123, MeSH D030342.

Allele frequency attached by ClinVar (database versions not stated): TOPMed below 0.00001; gnomAD 0.00001; gnomAD exomes 0.00001.
gnomAD v4.1: 15 of 1,613,872 alleles (0.00093%); highest among the groups gnomAD compares: South Asian, 0.0033%; 1 homozygote.

Submissions (2):

Labcorp Genetics (formerly Invitae), Labcorp
Classification: Uncertain significance. Last evaluated: 2025-04-27. Review status: criteria provided, single submitter. Criteria: Invitae Variant Classification Sherloc (09022015). Collection method: clinical testing. Allele origin: germline.
Comment: This sequence change replaces glycine, which is neutral and non-polar, with serine, which is neutral and polar, at codon 578 of the MYH14 protein (p.Gly578Ser). This variant is present in population databases (no rsID available, gnomAD 0.004%). This variant has not been reported in the literature in individuals affected with MYH14-related conditions. ClinVar contains an entry for this variant (Variation ID: 2539050). Invitae Evidence Modeling of protein sequence and biophysical properties (such as structural, functional, and spatial information, amino acid conservation, physicochemical variation, residue mobility, and thermodynamic stability) indicates that this missense variant is not expected to disrupt MYH14 protein function with a negative predictive value of 80%. In summary, the available evidence is currently insufficient to determine the role of this variant in disease. Therefore, it has been classified as a Variant of Uncertain Significance.

Ambry Genetics
Classification: Uncertain significance for Inborn genetic diseases. Last evaluated: 2023-04-19. Review status: criteria provided, single submitter. Criteria: Ambry Variant Classification Scheme 2023. Collection method: clinical testing. Allele origin: germline.